The following is an entry in ClinVar:

ClinVar aggregate classification (germline): Benign/Likely benign. Review status: criteria provided, multiple submitters, no conflicts (2 of 4 stars). 5 submissions from 5 submitters: Benign (2); Likely benign (3). Last evaluated 2026-09-01.

Conditions:
Neurodevelopmental disorder with seizures and nonepileptic hyperkinetic movements. Identifiers: MedGen C5193128, MONDO:0032784, OMIM 618497.

Allele frequency attached by ClinVar (database versions not stated): 1000 Genomes Project 30x 0.00344; 1000 Genomes Project 0.00379; ESP Exome Variant Server 0.00530; TOPMed 0.00546; ExAC 0.00553; gnomAD 0.00556 and 0.00574; gnomAD exomes 0.00566 and 0.00759.
gnomAD v4.1: 11,834 of 1,612,570 alleles (0.73%); highest among the groups gnomAD compares: Non-Finnish European, 0.86%; 69 homozygotes.

Submissions (5):

CeGaT Center for Human Genetics Tuebingen
Classification: Likely benign. Last evaluated: 2026-09-01. Review status: criteria provided, single submitter. Criteria: CeGaT Center For Human Genetics Tuebingen Variant Classification Criteria Version 2. Collection method: clinical testing. Allele origin: germline. Affected: yes. Observed: 54 variant alleles.
Comment: CACNA1B: BP4, BS2

Labcorp Genetics (formerly Invitae), Labcorp
Classification: Benign. Last evaluated: 2026-02-02. Review status: criteria provided, single submitter. Criteria: Invitae Variant Classification Sherloc (09022015). Collection method: clinical testing. Allele origin: germline.

GeneDx
Classification: Benign. Last evaluated: 2021-04-15. Review status: criteria provided, single submitter. Criteria: GeneDx Variant Classification Process June 2021. Collection method: clinical testing. Allele origin: germline. Affected: yes.

Mendelics
Classification: Likely benign for Neurodevelopmental disorder with seizures and nonepileptic hyperkinetic movements. Last evaluated: 2019-05-28. Review status: criteria provided, single submitter. Criteria: Mendelics Assertion Criteria 2017. Collection method: clinical testing. Allele origin: unknown.

Breakthrough Genomics
Classification: Likely benign. Review status: criteria provided, single submitter. Criteria: ACMG Guidelines, 2015. Collection method: not provided. Allele origin: germline. Inheritance: Autosomal recessive inheritance. Affected: yes.

NM_000718.4(CACNA1B):c.2093-4C>A

Gene: CACNA1B (calcium voltage-gated channel subunit alpha1 B; plus strand). Cytogenetic location: 9q34.3.
Variant type: single nucleotide variant.
Coding change: c.2093-4C>A on transcript NM_000718.4 (MANE Select); 4 bases into the intron before coding-DNA position 2093, C replaced by A.
Molecular consequence: intron variant.
Genome position (GRCh38, 1-based): chr9:138,010,006, C>A. VCF-style: chr9-138010006-C-A. GRCh37 (hg19) VCF-style: chr9-140904458-C-A.
Other names: c.2093-4C>A (NM_001243812.2).
Identifiers: ClinVar variation 770757 (VCV000770757.49), dbSNP rs76062311, ClinGen allele CA5376381.